The following is an entry in ClinVar:

ClinVar aggregate classification (germline): Uncertain significance (1 of 4 stars; one submission).

Submission:

Labcorp Genetics (formerly Invitae), Labcorp
Classification: Uncertain significance. Last evaluated: 2025-06-01. Review status: criteria provided, single submitter. Criteria: Invitae Variant Classification Sherloc (09022015). Collection method: clinical testing. Allele origin: germline.
Comment: This sequence change creates a premature translational stop signal (p.Tyr804*) in the MYLK3 gene. While this is not anticipated to result in nonsense mediated decay, it is expected to disrupt the last 16 amino acid(s) of the MYLK3 protein. This variant is not present in population databases (gnomAD no frequency). This variant has not been reported in the literature in individuals affected with MYLK3-related conditions. Experimental studies and prediction algorithms are not available or were not evaluated, and the functional significance of this variant is currently unknown. In summary, the available evidence is currently insufficient to determine the role of this variant in disease. Therefore, it has been classified as a Variant of Uncertain Significance.

NM_182493.3(MYLK3):c.2412T>G (p.Tyr804Ter)

Gene: MYLK3 (myosin light chain kinase 3; minus strand). Cytogenetic location: 16q11.2.
Variant type: single nucleotide variant.
Coding change: c.2412T>G on transcript NM_182493.3 (MANE Select); coding-DNA position 2412, T replaced by G.
Protein change: p.Tyr804Ter; replaces tyrosine 804 with a stop codon.
Molecular consequence: nonsense.
Genome position (GRCh38, 1-based): chr16:46,707,752, A>C on the plus strand (T>G on the coding strand, the complement: MYLK3 is on the minus strand). VCF-style: chr16-46707752-A-C. GRCh37 (hg19) VCF-style: chr16-46741664-A-C.
Other names: c.1389T>G, p.Tyr463Ter (NM_001308301.1); short protein forms Y804*, Y463*.
Identifiers: ClinVar variation 4720554 (VCV004720554.1).